The following is an entry in ClinVar:

ClinVar aggregate classification (germline): Uncertain significance (1 of 4 stars; one submission).

Conditions:
Postaxial polydactyly-anterior pituitary anomalies-facial dysmorphism syndrome. Also called: Culler-Jones syndrome. Identifiers: Orphanet 420584, MedGen C4014479, MONDO:0014369, OMIM 615849.
Holoprosencephaly 9 (HPE9). Also called: PITUITARY ANOMALIES WITH HOLOPROSENCEPHALY-LIKE FEATURES; HOLOPROSENCEPHALY WITH MICROPHTHALMIA AND FIRST BRANCHIAL ARCH ANOMALIES. Identifiers: Orphanet 2162, MedGen C1835819, MONDO:0012563, OMIM 610829.

Allele frequency attached by ClinVar (database versions not stated): gnomAD exomes below 0.00001.
gnomAD v4.1: 4 of 1,613,174 alleles (0.00025%); highest among the groups gnomAD compares: African/African-American, 0.0027%; no homozygotes.

Submission:

Labcorp Genetics (formerly Invitae), Labcorp
Classification: Uncertain significance for Postaxial polydactyly-anterior pituitary anomalies-facial dysmorphism syndrome; Holoprosencephaly 9. Last evaluated: 2022-10-27. Review status: criteria provided, single submitter. Criteria: Invitae Variant Classification Sherloc (09022015). Collection method: clinical testing. Allele origin: germline.
Comment: This variant is not present in population databases (gnomAD no frequency). In summary, the available evidence is currently insufficient to determine the role of this variant in disease. Therefore, it has been classified as a Variant of Uncertain Significance. Advanced modeling of protein sequence and biophysical properties (such as structural, functional, and spatial information, amino acid conservation, physicochemical variation, residue mobility, and thermodynamic stability) performed at Invitae indicates that this missense variant is not expected to disrupt GLI2 protein function. This variant has not been reported in the literature in individuals affected with GLI2-related conditions. This sequence change replaces glycine, which is neutral and non-polar, with arginine, which is basic and polar, at codon 1083 of the GLI2 protein (p.Gly1083Arg).

NM_001374353.1(GLI2):c.3196G>A (p.Gly1066Arg)

Gene: GLI2 (GLI family zinc finger 2; plus strand). Cytogenetic location: 2q14.2.
Variant type: single nucleotide variant.
Coding change: c.3196G>A on transcript NM_001374353.1 (MANE Select); coding-DNA position 3196, G replaced by A.
Protein change: p.Gly1066Arg; replaces glycine 1066 with arginine.
Molecular consequence: missense variant.
Genome position (GRCh38, 1-based): chr2:120,989,161, G>A. VCF-style: chr2-120989161-G-A. GRCh37 (hg19) VCF-style: chr2-121746737-G-A.
Other names: c.2821G>A, p.Gly941Arg (NM_001374354.1); c.3247G>A, p.Gly1083Arg (NM_005270.5, NM_001371271.1); short protein forms G1066R, G1083R, G941R.
Identifiers: ClinVar variation 2938895 (VCV002938895.3), dbSNP rs2467775983, ClinGen allele CA348172961.